The following is an entry in ClinVar:

ClinVar aggregate classification (germline): Uncertain significance (1 of 4 stars; one submission).

Submission:

GeneDx
Classification: Uncertain significance. Last evaluated: 2024-10-24. Review status: criteria provided, single submitter. Criteria: GeneDx Variant Classification Process June 2021. Collection method: clinical testing. Allele origin: germline. Affected: yes.
Comment: Not observed at significant frequency in large population cohorts (gnomAD); In-frame deletion of 3 amino acid(s) in a non-repeat region; In silico analysis supports a deleterious effect on splicing; In silico analysis indicates that this variant does not alter protein structure/function; Has not been previously published as pathogenic or benign to our knowledge

NM_001375380.1(EBF3):c.246_254del (p.Glu83_Glu85del)

Gene: EBF3 (EBF transcription factor 3; minus strand). Cytogenetic location: 10q26.3.
Variant type: Deletion.
Coding change: c.246_254del on transcript NM_001375380.1 (MANE Select); coding-DNA positions 246 to 254, 9 bases deleted (GGAGATTGA; older notation c.246_254delGGAGATTGA).
Protein change: p.Glu83_Glu85del.
Genome position (GRCh38, 1-based): chr10:129,963,404-129,963,412, TCAATCTCC deleted on the plus strand (GGAGATTGA on the coding strand, the reverse complement: EBF3 is on the minus strand). VCF-style (leftmost placement, unchanged base first): chr10-129963403-TTCAATCTCC-T. GRCh37 (hg19) VCF-style: chr10-131761667-TTCAATCTCC-T.
Other names: c.246_254del, p.Glu83_Glu85del (NM_001005463.3, NM_001375379.1, NM_001375389.1 and 3 more transcripts).
Identifiers: ClinVar variation 3893347 (VCV003893347.1).